The following is an entry in ClinVar:

ClinVar aggregate classification (germline): Uncertain significance (1 of 4 stars; one submission).

Conditions:
Familial adenomatous polyposis 1 (FAP1). Also called: FAMILIAL ADENOMATOUS POLYPOSIS 1, ATTENUATED; POLYPOSIS, ADENOMATOUS INTESTINAL. Identifiers: MedGen C2713442, MONDO:0021056, OMIM 175100. Disease mechanism: loss of function.

Submission:

Labcorp Genetics (formerly Invitae), Labcorp
Classification: Uncertain significance for Familial adenomatous polyposis 1. Last evaluated: 2022-10-12. Review status: criteria provided, single submitter. Criteria: Invitae Variant Classification Sherloc (09022015). Collection method: clinical testing. Allele origin: germline.
Comment: In summary, the available evidence is currently insufficient to determine the role of this variant in disease. Therefore, it has been classified as a Variant of Uncertain Significance. Experimental studies and prediction algorithms are not available or were not evaluated, and the functional significance of this variant is currently unknown. This variant has not been reported in the literature in individuals affected with APC-related conditions. This variant is not present in population databases (gnomAD no frequency). This variant occurs in a non-coding region of the APC gene. It does not change the encoded amino acid sequence of the APC protein.

NM_001127511.3(APC):c.-46A>C

Gene: APC (APC regulator of Wnt signaling pathway; plus strand). Cytogenetic location: 5q22.2.
Variant type: single nucleotide variant.
Coding change: c.-46A>C on transcript NM_001127511.3; 46 bases upstream of the start codon, A replaced by C.
Molecular consequence: 5 prime UTR variant. On other transcripts: non-coding transcript variant (1), intron variant (5).
Genome position (GRCh38, 1-based): chr5:112,707,672, A>C. VCF-style: chr5-112707672-A-C. GRCh37 (hg19) VCF-style: chr5-112043369-A-C.
Other names: c.-229A>C (NM_001354895.2, NM_001407447.1, NM_001407452.1 and 3 more transcripts); c.-46A>C (NM_001354897.2, NM_001354902.2, NM_001407446.1); c.-1264A>C (NM_001407470.1, NM_001407472.1); c.-19+23A>C (NM_001407448.1, NM_001407450.1, NM_001407457.1 and 1 more transcripts); c.-43+23A>C (NM_001407453.1).
Identifiers: ClinVar variation 2035258 (VCV002035258.4), dbSNP rs1750595463, ClinGen allele CA2580072317.